The following is an entry in ClinVar:

ClinVar aggregate classification (germline): not provided (0 of 4 stars; one submission).

Allele frequency attached by ClinVar (database versions not stated): gnomAD exomes below 0.00001; gnomAD 0.00001.

Submission:

Human Evolutionary Genetics, Institut Pasteur
No classification provided. Review status: no classification provided. Collection method: not provided. Allele origin: germline.
ClinVar note: Converted during submission from untested to not provided.

NM_017852.5(NLRP2):c.326-68A>G

Gene: NLRP2 (NLR family pyrin domain containing 2; plus strand). Cytogenetic location: 19q13.42.
Variant type: single nucleotide variant.
Coding change: c.326-68A>G on transcript NM_017852.5 (MANE Select); 68 bases into the intron before coding-DNA position 326, A replaced by G.
Molecular consequence: intron variant.
Genome position (GRCh38, 1-based): chr19:54,977,684, A>G. VCF-style: chr19-54977684-A-G. GRCh37 (hg19) VCF-style: chr19-55489052-A-G.
Other names: c.326-68A>G (NM_001174081.3, NM_001348003.2, NM_001174082.3); c.257-68A>G (NM_001174083.2).
Identifiers: ClinVar variation 103070 (VCV000103070.2), dbSNP rs199475712, ClinGen allele CA230070.
Genomic context (GRCh38, chr19:54,977,684, plus strand): 5'-CCTTATCAACGTCCTTTTTAGTACCTAATCTAGGCTTCACTACTGAGACTCAGGGGTCCA[A>G]CTTGAGCCATCTTGGAGTCCCACTGCCAGCACAGCAACAGGCCTGTAATGCCGCCCTTTT-3'